The following is an entry in ClinVar:

NM_001367873.1(SOX6):c.2314A>G (p.Ser772Gly)

Gene: SOX6 (SRY-box transcription factor 6; minus strand). Cytogenetic location: 11p15.2.
Variant type: single nucleotide variant.
Coding change: c.2314A>G on transcript NM_001367873.1 (MANE Select); coding-DNA position 2314, A replaced by G.
Protein change: p.Ser772Gly; replaces serine 772 with glycine.
Molecular consequence: missense variant.
Genome position (GRCh38, 1-based): chr11:15,972,982, T>C on the plus strand (A>G on the coding strand, the complement: SOX6 is on the minus strand). VCF-style: chr11-15972982-T-C. GRCh37 (hg19) VCF-style: chr11-15994528-T-C.
Other names: c.2233A>G, p.Ser745Gly (NM_001145811.2, NM_017508.3); c.2314A>G, p.Ser772Gly (NM_001145819.2); c.2191A>G, p.Ser731Gly (NM_001367872.1); c.2254A>G, p.Ser752Gly (NM_033326.3); short protein forms S731G, S745G, S752G, S772G.
Identifiers: ClinVar variation 2641628 (VCV002641628.24), dbSNP rs2493937667, ClinGen allele CA379873108.

ClinVar aggregate classification (germline): Uncertain significance. Review status: criteria provided, multiple submitters, no conflicts (2 of 4 stars). 2 submissions from 2 submitters: Uncertain significance (2). Last evaluated 2025-11-20.

Conditions:
Inborn genetic diseases. Identifiers: MedGen C0950123, MeSH D030342.

Submissions (2):

Ambry Genetics
Classification: Uncertain significance for Inborn genetic diseases. Last evaluated: 2025-11-20. Review status: criteria provided, single submitter. Criteria: Ambry Variant Classification Scheme 2023. Collection method: clinical testing. Allele origin: germline.

CeGaT Center for Human Genetics Tuebingen
Classification: Uncertain significance. Last evaluated: 2023-08-01. Review status: criteria provided, single submitter. Criteria: CeGaT Center For Human Genetics Tuebingen Variant Classification Criteria Version 2. Collection method: clinical testing. Allele origin: germline. Affected: yes. Observed: 1 variant allele.
Comment: SOX6: PM2